The following is an entry in ClinVar:

ClinVar aggregate classification (germline): Uncertain significance (1 of 4 stars; one submission).

Conditions:
Tremor, hereditary essential, 4 (ETM4). Identifiers: MedGen C3539195, MONDO:0013888, OMIM 614782.
Amyotrophic lateral sclerosis type 6. Also called: FUS-Related Amyotrophic Laterial Sclerosis; Amyotrophic lateral sclerosis 6, with or without frontotemporal dementia; AMYOTROPHIC LATERAL SCLEROSIS 6 WITHOUT FRONTOTEMPORAL DEMENTIA. Identifiers: Orphanet 275872, Orphanet 803, MedGen C2931786, MONDO:0011951, OMIM 608030.

gnomAD v4.1: 7 of 1,613,766 alleles (0.00043%); highest among the groups gnomAD compares: Non-Finnish European, 0.00059%; no homozygotes.

Submission:

Labcorp Genetics (formerly Invitae), Labcorp
Classification: Uncertain significance for Tremor, hereditary essential, 4; Amyotrophic lateral sclerosis type 6. Last evaluated: 2024-07-01. Review status: criteria provided, single submitter. Criteria: Invitae Variant Classification Sherloc (09022015). Collection method: clinical testing. Allele origin: germline.
Comment: This sequence change replaces arginine, which is basic and polar, with glutamine, which is neutral and polar, at codon 485 of the FUS protein (p.Arg485Gln). This variant is present in population databases (rs767199471, gnomAD 0.0009%). This variant has not been reported in the literature in individuals affected with FUS-related conditions. An algorithm developed to predict the effect of missense changes on protein structure and function (PolyPhen-2) suggests that this variant is likely to be disruptive. In summary, the available evidence is currently insufficient to determine the role of this variant in disease. Therefore, it has been classified as a Variant of Uncertain Significance.

NM_004960.4(FUS):c.1454G>A (p.Arg485Gln)

Gene: FUS (FUS RNA binding protein; plus strand). Cytogenetic location: 16p11.2.
Variant type: single nucleotide variant.
Coding change: c.1454G>A on transcript NM_004960.4 (MANE Select); coding-DNA position 1454, G replaced by A.
Protein change: p.Arg485Gln; replaces arginine 485 with glutamine.
Molecular consequence: missense variant. On other transcripts: non-coding transcript variant (1).
Genome position (GRCh38, 1-based): chr16:31,191,023, G>A. VCF-style: chr16-31191023-G-A. GRCh37 (hg19) VCF-style: chr16-31202344-G-A.
Other names: c.1451G>A, p.Arg484Gln (NM_001170634.1); c.1442G>A, p.Arg481Gln (NM_001170937.1); short protein forms R481Q, R484Q, R485Q.
Identifiers: ClinVar variation 3763259 (VCV003763259.2).